The following is an entry in ClinVar:

ClinVar aggregate classification (germline): Pathogenic (1 of 4 stars; one submission).

Conditions:
Ehlers-Danlos syndrome, classic type, 1 (EDSCL1). Also called: EHLERS-DANLOS SYNDROME, GRAVIS TYPE; EHLERS-DANLOS SYNDROME, SEVERE CLASSIC TYPE; Ehlers-Danlos syndrome, type 1; EDS I; Ehlers-Danlos Syndrome, Classic Type, COL5A1-Related. Identifiers: MedGen C0268335, MONDO:0019567, OMIM 130000.
Osteogenesis imperfecta type I (OI1). Also called: OI, TYPE I; OSTEOGENESIS IMPERFECTA TARDA; OSTEOGENESIS IMPERFECTA WITH BLUE SCLERAE; Osteogenesis imperfecta type 1; Lobstein's Disease; Lobstein disease. Identifiers: Orphanet 216796, Orphanet 666, MedGen C0023931, MONDO:0008146, OMIM 166200. Disease mechanism: loss of function.

Submission:

Labcorp Genetics (formerly Invitae), Labcorp
Classification: Pathogenic for Osteogenesis imperfecta type I; Ehlers-Danlos syndrome, classic type, 1. Last evaluated: 2023-02-16. Review status: criteria provided, single submitter. Criteria: Invitae Variant Classification Sherloc (09022015). Collection method: clinical testing. Allele origin: germline.
Comment: This sequence change replaces cysteine, which is neutral and slightly polar, with serine, which is neutral and polar, at codon 1195 of the COL1A2 protein (p.Cys1195Ser). This variant is not present in population databases (gnomAD no frequency). This missense change has been observed in individual(s) with osteogenesis imperfecta (Invitae). Advanced modeling of protein sequence and biophysical properties (such as structural, functional, and spatial information, amino acid conservation, physicochemical variation, residue mobility, and thermodynamic stability) performed at Invitae indicates that this missense variant is expected to disrupt COL1A2 protein function. This variant disrupts the p.Cys1195 amino acid residue in COL1A2. Other variant(s) that disrupt this residue have been determined to be pathogenic (PMID: 30715774). This suggests that this residue is clinically significant, and that variants that disrupt this residue are likely to be disease-causing. For these reasons, this variant has been classified as Pathogenic.

Literature cited by the submitters: PubMed 30715774.

NM_000089.4(COL1A2):c.3583T>A (p.Cys1195Ser)

Gene: COL1A2 (collagen type I alpha 2 chain; plus strand). Cytogenetic location: 7q21.3.
Variant type: single nucleotide variant.
Coding change: c.3583T>A on transcript NM_000089.4 (MANE Select); coding-DNA position 3583, T replaced by A.
Protein change: p.Cys1195Ser; replaces cysteine 1195 with serine.
Molecular consequence: missense variant.
Genome position (GRCh38, 1-based): chr7:94,428,349, T>A. VCF-style: chr7-94428349-T-A. GRCh37 (hg19) VCF-style: chr7-94057661-T-A.
Other names: short protein forms C1195S.
Identifiers: ClinVar variation 2019973 (VCV002019973.4), dbSNP rs2115962248, ClinGen allele CA368226294.